The following is an entry in ClinVar:

ClinVar aggregate classification (germline): Benign. Review status: criteria provided, multiple submitters, no conflicts (2 of 4 stars). 3 submissions from 3 submitters: Benign (2). 1 of the submissions does not count toward it. Last evaluated 2025-12-04.

Conditions:
X-linked sideroblastic anemia 1. Also called: Erythroid 5-aminolevulinate synthase deficiency; X chromosome-linked sideroblastic anemia; X-linked pyridoxine-refractory sideroblastic anemia; ANEMIA, SIDEROBLASTIC, 1, PYRIDOXINE REFRACTORY; Anemia, sideroblastic, 1; Anemia, hereditary sideroblastic 1, pyridoxine refractory. Identifiers: Orphanet 75563, MedGen C4551511, MONDO:0020721, OMIM 300751. Disease mechanism: loss of function.
ALAS2-related disorder. Also called: ALAS2-related condition.

Allele frequency attached by ClinVar (database versions not stated): gnomAD 0.00005; gnomAD exomes 0.00010 and 0.00020; TOPMed 0.00015; ESP Exome Variant Server 0.00019; ExAC 0.00026; 1000 Genomes Project 30x 0.00042; 1000 Genomes Project 0.00053.
gnomAD v4.1: 121 of 1,208,823 alleles (0.01%); highest among the groups gnomAD compares: South Asian, 0.13%; no homozygotes.

Submissions (3):

Labcorp Genetics (formerly Invitae), Labcorp
Classification: Benign. Last evaluated: 2025-12-04. Review status: criteria provided, single submitter. Criteria: Invitae Variant Classification Sherloc (09022015). Collection method: clinical testing. Allele origin: germline.

Illumina Laboratory Services, Illumina
Classification: Benign for X-linked sideroblastic anemia 1. Last evaluated: 2018-01-12. Review status: criteria provided, single submitter. Criteria: ICSL Variant Classification Criteria 13 December 2019. Collection method: clinical testing. Allele origin: germline.
Comment: This variant was observed in the ICSL laboratory as part of a predisposition screen in an ostensibly healthy population. It had not been previously curated by ICSL or reported in the Human Gene Mutation Database (HGMD: prior to June 1st, 2018), and was therefore a candidate for classification through an automated scoring system. Utilizing variant allele frequency, disease prevalence and penetrance estimates, and inheritance mode, an automated score was calculated to assess if this variant is too frequent to cause the disease. Based on the score and internal cut-off values, a variant classified as benign is not then subjected to further curation. The score for this variant resulted in a classification of benign for this disease.

PreventionGenetics, part of Exact Sciences
Classification: Likely benign for ALAS2-related condition. Last evaluated: 2019-06-20. Review status: no assertion criteria provided. Collection method: clinical testing. Allele origin: germline. Not counted in ClinVar's aggregate classification.
Comment: This variant is classified as likely benign based on ACMG/AMP sequence variant interpretation guidelines (Richards et al. 2015 PMID: 25741868, with internal and published modifications).

NM_000032.5(ALAS2):c.1107C>T (p.Gly369=)

Gene: ALAS2 (5'-aminolevulinate synthase 2; minus strand). Cytogenetic location: Xp11.21.
Variant type: single nucleotide variant.
Coding change: c.1107C>T on transcript NM_000032.5 (MANE Select); coding-DNA position 1107, C replaced by T.
Protein change: p.Gly369=; no amino-acid change (glycine 369 retained).
Molecular consequence: synonymous variant.
Genome position (GRCh38, 1-based): chrX:55,015,639, G>A on the plus strand (C>T on the coding strand, the complement: ALAS2 is on the minus strand). VCF-style: chrX-55015639-G-A. GRCh37 (hg19) VCF-style: chrX-55042072-G-A.
Other names: c.1107C>T, p.Gly369= (LRG_1163t1); c.996C>T, p.Gly332= (NM_001037967.4); c.1068C>T, p.Gly356= (NM_001037968.4).
Identifiers: ClinVar variation 368595 (VCV000368595.14), dbSNP rs368764287, ClinGen allele CA10428338.
Genomic context (GRCh38, chrX:55,015,639, plus strand): 5'-AAGAGTTCCAGAGATGATGTCAATCTTATGCATAATTCCATCACGCTCCCCAATCCCAGC[G>A]CCCCGGGACCCATACAGTCCTACAGCATGGACCTCATCCACGAAGGTCAGGGCCCCATAC-3'
Protein context (NP_000023.2, residues 359-379): VHAVGLYGSR[Gly369=]AGIGERDGIM